The following is an entry in ClinVar:

NM_178862.3(STT3B):c.2349C>A (p.His783Gln)

Gene: STT3B (STT3 oligosaccharyltransferase complex catalytic subunit B; plus strand). Cytogenetic location: 3p23.
Variant type: single nucleotide variant.
Coding change: c.2349C>A on transcript NM_178862.3 (MANE Select); coding-DNA position 2349, C replaced by A.
Protein change: p.His783Gln; replaces histidine 783 with glutamine.
Molecular consequence: missense variant.
Genome position (GRCh38, 1-based): chr3:31,633,096, C>A. VCF-style: chr3-31633096-C-A. GRCh37 (hg19) VCF-style: chr3-31674588-C-A.
Other names: short protein forms H783Q.
Identifiers: ClinVar variation 2723388 (VCV002723388.3), dbSNP rs778960864, ClinGen allele CA2295392.
Genomic context (GRCh38, chr3:31,633,096, plus strand): 5'-ACACTGGCTTGTTAGGATATATAAAGTAAAAGCACCTGATAACAGGGAGACATTAGATCA[C>A]AAACCTCGAGTCACCAACATTTTCCCAAAACAGAAGTATTTGTCAAAGAAGGTGGGTGCC-3'
Protein context (NP_849193.1, residues 773-793): KAPDNRETLD[His783Gln]KPRVTNIFPK

ClinVar aggregate classification (germline): Uncertain significance (1 of 4 stars; one submission).

Conditions:
STT3B-congenital disorder of glycosylation. Also called: STT3B-CDG; CDG Ix; Congenital disorder of glycosylation type 1x. Identifiers: Orphanet 370924, MedGen C2931007, MONDO:0014271, OMIM 615597.

gnomAD v4.1: 4 of 1,614,020 alleles (0.00025%); highest among the groups gnomAD compares: Admixed American, 0.0067%; no homozygotes.

Submission:

Labcorp Genetics (formerly Invitae), Labcorp
Classification: Uncertain significance for STT3B-congenital disorder of glycosylation. Last evaluated: 2023-05-02. Review status: criteria provided, single submitter. Criteria: Invitae Variant Classification Sherloc (09022015). Collection method: clinical testing. Allele origin: germline.
Comment: In summary, the available evidence is currently insufficient to determine the role of this variant in disease. Therefore, it has been classified as a Variant of Uncertain Significance. An algorithm developed to predict the effect of missense changes on protein structure and function (PolyPhen-2) suggests that this variant is likely to be tolerated. This variant has not been reported in the literature in individuals affected with STT3B-related conditions. This variant is present in population databases (rs778960864, gnomAD 0.01%). This sequence change replaces histidine, which is basic and polar, with glutamine, which is neutral and polar, at codon 783 of the STT3B protein (p.His783Gln).